The following is an entry in ClinVar:

ClinVar aggregate classification (germline): Uncertain significance. Review status: criteria provided, multiple submitters, no conflicts (2 of 4 stars). 6 submissions from 6 submitters: Uncertain significance (6). Last evaluated 2025-04-14.

Conditions:
Arrhythmogenic cardiomyopathy with wooly hair and keratoderma. Also called: Dilated cardiomyopathy with woolly hair and keratoderma; Carvajal syndrome; PALMOPLANTAR KERATODERMA WITH LEFT VENTRICULAR CARDIOMYOPATHY AND WOOLLY HAIR; Arrhythmogenic cardiomyopathy with woolly hair and keratoderma. Identifiers: Orphanet 65282, MedGen C1854063, MONDO:0011581, OMIM 605676.
Arrhythmogenic right ventricular dysplasia 8 (ARVD8). Also called: ARRHYTHMOGENIC RIGHT VENTRICULAR DYSPLASIA, FAMILIAL, 8; ARRHYTHMOGENIC RIGHT VENTRICULAR CARDIOMYOPATHY 8; Arrhythmogenic Right Ventricular Dysplasia/Cardiomyopathy 8. Identifiers: MedGen C1843896, MONDO:0011831, OMIM 607450.
Cardiovascular phenotype. Identifiers: MedGen CN230736.
Cardiomyopathy (CMYO). Also called: Cardiomyopathies. Identifiers: Orphanet 167848, MedGen C0878544, MONDO:0004994, HP:0001638. Inheritance: Various modes of inheritance.

Allele frequency attached by ClinVar (database versions not stated): gnomAD 0.00001; gnomAD exomes 0.00001; TOPMed 0.00001.

Submissions (6):

Ambry Genetics
Classification: Uncertain significance for Cardiovascular phenotype. Last evaluated: 2025-04-14. Review status: criteria provided, single submitter. Criteria: Ambry Variant Classification Scheme 2023. Collection method: clinical testing. Allele origin: germline.
Comment: The p.R685T variant (also known as c.2054G>C), located in coding exon 15 of the DSP gene, results from a G to C substitution at nucleotide position 2054. The arginine at codon 685 is replaced by threonine, an amino acid with similar properties. This amino acid position is conserved. In addition, the in silico prediction for this alteration is inconclusive. Based on the available evidence, the clinical significance of this variant remains unclear.

All of Us Research Program, National Institutes of Health
Classification: Uncertain significance for Arrhythmogenic cardiomyopathy with wooly hair and keratoderma. Last evaluated: 2024-05-14. Review status: criteria provided, single submitter. Criteria: ACMG Guidelines, 2015. Collection method: clinical testing. Allele origin: germline. Inheritance: Autosomal dominant inheritance. Observed: 4 variant alleles, 4 heterozygotes.
Comment: This missense variant replaces arginine with threonine at codon 685 of the DSP protein. Computational prediction suggests that this variant may not impact protein structure and function (internally defined REVEL score threshold <= 0.5, PMID: 27666373). To our knowledge, functional studies have not been reported for this variant. This variant has not been reported in individuals affected with DSP-related disorders in the literature. This variant has not been identified in the general population by the Genome Aggregation Database (gnomAD). The available evidence is insufficient to determine the role of this variant in disease conclusively. Therefore, this variant is classified as a Variant of Uncertain Significance.

This study involves interpretation of variants in research participants for the purpose of population health screening. Participant phenotype was not available at the time of variant classification. Additional details can be found in publication PMID: 35346344, PMCID: PMC8962531

Color Diagnostics, LLC DBA Color Health
Classification: Uncertain significance for Cardiomyopathy. Last evaluated: 2024-03-06. Review status: criteria provided, single submitter. Criteria: ACMG Guidelines, 2015. Collection method: clinical testing. Allele origin: germline.
Comment: This missense variant replaces arginine with threonine at codon 685 of the DSP protein. Computational prediction suggests that this variant may not impact protein structure and function (internally defined REVEL score threshold <= 0.5, PMID: 27666373). To our knowledge, functional studies have not been reported for this variant. This variant has not been reported in individuals affected with DSP-related disorders in the literature. This variant has not been identified in the general population by the Genome Aggregation Database (gnomAD). The available evidence is insufficient to determine the role of this variant in disease conclusively. Therefore, this variant is classified as a Variant of Uncertain Significance.

GeneDx
Classification: Uncertain significance. Last evaluated: 2023-12-13. Review status: criteria provided, single submitter. Criteria: GeneDx Variant Classification Process June 2021. Collection method: clinical testing. Allele origin: germline. Affected: yes.
Comment: Has not been previously published as pathogenic or benign to our knowledge; Not observed at significant frequency in large population cohorts (gnomAD); In silico analysis supports that this missense variant has a deleterious effect on protein structure/function

Labcorp Genetics (formerly Invitae), Labcorp
Classification: Uncertain significance for Arrhythmogenic cardiomyopathy with wooly hair and keratoderma; Arrhythmogenic right ventricular dysplasia 8. Last evaluated: 2023-08-11. Review status: criteria provided, single submitter. Criteria: Invitae Variant Classification Sherloc (09022015). Collection method: clinical testing. Allele origin: germline.
Comment: This sequence change replaces arginine, which is basic and polar, with threonine, which is neutral and polar, at codon 685 of the DSP protein (p.Arg685Thr). This variant is not present in population databases (gnomAD no frequency). This variant has not been reported in the literature in individuals affected with DSP-related conditions. ClinVar contains an entry for this variant (Variation ID: 1030793). An algorithm developed to predict the effect of missense changes on protein structure and function (PolyPhen-2) suggests that this variant¬¨‚Ä†is likely to be tolerated. In summary, the available evidence is currently insufficient to determine the role of this variant in disease. Therefore, it has been classified as a Variant of Uncertain Significance.

Baylor Genetics
Classification: Uncertain significance for Arrhythmogenic right ventricular dysplasia 8. Last evaluated: 2019-02-14. Review status: criteria provided, single submitter. Criteria: ACMG Guidelines, 2015. Collection method: clinical testing. Allele origin: paternal. Affected: yes.
Comment: This variant was determined to be of uncertain significance according to ACMG Guidelines, 2015 [PMID:25741868].

NM_004415.4(DSP):c.2054G>C (p.Arg685Thr)

Gene: DSP (desmoplakin; plus strand). Cytogenetic location: 6p24.3.
Variant type: single nucleotide variant.
Coding change: c.2054G>C on transcript NM_004415.4 (MANE Select); coding-DNA position 2054, G replaced by C.
Protein change: p.Arg685Thr; replaces arginine 685 with threonine.
Molecular consequence: missense variant.
Genome position (GRCh38, 1-based): chr6:7,571,992, G>C. VCF-style: chr6-7571992-G-C. GRCh37 (hg19) VCF-style: chr6-7572225-G-C.
Other names: c.2054G>C, p.Arg685Thr (NM_001008844.3, NM_001319034.2); short protein forms R685T.
Identifiers: ClinVar variation 1030793 (VCV001030793.10), dbSNP rs1212756552, ClinGen allele CA362680450.